The following is an entry in ClinVar:

ClinVar aggregate classification (germline): Uncertain significance (1 of 4 stars; one submission).

Conditions:
Hereditary cancer-predisposing syndrome. Also called: Neoplastic Syndromes, Hereditary; Tumor predisposition; Hereditary Cancer Syndrome; Hereditary neoplastic syndrome. Identifiers: Orphanet 140162, MedGen C0027672, MeSH D009386, MONDO:0015356.
Cardiovascular phenotype. Identifiers: MedGen CN230736.

Allele frequency attached by ClinVar (database versions not stated): gnomAD exomes below 0.00001.
gnomAD v4.1: 1 of 1,613,546 alleles (0.000062%); highest among the groups gnomAD compares: Non-Finnish European, 0.000085%; no homozygotes.

Submission:

Ambry Genetics
Classification: Uncertain significance for Cardiovascular phenotype; Hereditary cancer-predisposing syndrome. Last evaluated: 2021-11-29. Review status: criteria provided, single submitter. Criteria: Ambry Variant Classification Scheme 2023. Collection method: clinical testing. Allele origin: germline.
Comment: The p.P2545T variant (also known as c.7633C>A), located in coding exon 51 of the NF1 gene, results from a C to A substitution at nucleotide position 7633. The proline at codon 2545 is replaced by threonine, an amino acid with highly similar properties. This amino acid position is highly conserved in available vertebrate species. In addition, this alteration is predicted to be tolerated by in silico analysis. Since supporting evidence is limited at this time, the clinical significance of this alteration remains unclear.

NM_001042492.3(NF1):c.7696C>A (p.Pro2566Thr)

Gene: NF1 (neurofibromin 1; plus strand). Cytogenetic location: 17q11.2.
Variant type: single nucleotide variant.
Coding change: c.7696C>A on transcript NM_001042492.3 (MANE Select); coding-DNA position 7696, C replaced by A.
Protein change: p.Pro2566Thr; replaces proline 2566 with threonine.
Molecular consequence: missense variant.
Genome position (GRCh38, 1-based): chr17:31,356,540, C>A. VCF-style: chr17-31356540-C-A. GRCh37 (hg19) VCF-style: chr17-29683558-C-A.
Other names: c.7633C>A, p.Pro2545Thr (NM_000267.4); short protein forms P2566T, P2545T.
Identifiers: ClinVar variation 1759912 (VCV001759912.2), dbSNP rs2151581259, ClinGen allele CA399018149.